The following is an entry in ClinVar:

NM_001143764.3(SYCE1):c.455_456del (p.Arg152fs)

Gene: SYCE1 (synaptonemal complex central element protein 1; minus strand). Cytogenetic location: 10q26.3.
Variant type: Microsatellite.
Coding change: c.455_456del on transcript NM_001143764.3 (MANE Select); coding-DNA positions 455 to 456, 2 bases deleted (GA; older notation c.455_456delGA).
Protein change: p.Arg152fs; shifts the reading frame from arginine 152.
Molecular consequence: frameshift variant.
Genome position (GRCh38, 1-based): chr10:133,557,075-133,557,076, TC deleted on the plus strand (GA on the coding strand, the reverse complement: SYCE1 is on the minus strand); deleting any 2 consecutive bases within chr10:133,557,075-133,557,079 gives the same sequence; the c. name uses the placement nearest the transcript's 3' end. VCF-style (leftmost placement, unchanged base first): chr10-133557074-GTC-G. GRCh37 (hg19) VCF-style: chr10-135370578-GTC-G.
Other names: c.455_456del, p.Arg152fs (NM_001143763.2); c.347_348del, p.Arg116fs (NM_130784.4); short protein forms R116fs, R152fs.
Identifiers: ClinVar variation 643186 (VCV000643186.6), dbSNP rs1589966038, ClinGen allele CA472185553.

ClinVar aggregate classification (germline): Pathogenic (1 of 4 stars; one submission).

Submission:

Labcorp Genetics (formerly Invitae), Labcorp
Classification: Pathogenic. Last evaluated: 2018-07-25. Review status: criteria provided, single submitter. Criteria: Invitae Variant Classification Sherloc (09022015). Collection method: clinical testing. Allele origin: germline.
Comment: For these reasons, this variant has been classified as Pathogenic. Loss-of-function variants in SYCE1 are known to be pathogenic (PMID: 25062452, 25899990). This variant has not been reported in the literature in individuals with SYCE1-related disease. This variant is not present in population databases (ExAC no frequency). This sequence change creates a premature translational stop signal (p.Arg116Thrfs*68) in the SYCE1 gene. It is expected to result in an absent or disrupted protein product.

Literature cited by the submitters: PubMed 25062452; PubMed 25899990.